The following is an entry in ClinVar:

NM_144670.6(A2ML1):c.335A>G (p.Lys112Arg)

Genes: A2ML1 (alpha-2-macroglobulin like 1; plus strand), A2ML1-AS1 (A2ML1 antisense RNA 1; minus strand). Cytogenetic location: 12p13.31.
Variant type: single nucleotide variant.
Coding change: c.335A>G on transcript NM_144670.6 (MANE Select); coding-DNA position 335, A replaced by G.
Protein change: p.Lys112Arg; replaces lysine 112 with arginine.
Molecular consequence: missense variant.
Genome position (GRCh38, 1-based): chr12:8,823,808, A>G. VCF-style: chr12-8823808-A-G. GRCh37 (hg19) VCF-style: chr12-8976404-A-G.
Other names: c.335A>G (NM_144670.3); short protein forms K112R.
Identifiers: ClinVar variation 1434881 (VCV001434881.7), dbSNP rs753721369, ClinGen allele CA6435239.
Genomic context (GRCh38, chr12:8,823,808, plus strand): 5'-AAGTGGCCACAATCCGGGTGTCGGGAGTTGGAAATAACATCAGCTTTGAGGAGAAGAAAA[A>G]GGTTCTAATTCAGAGGCAGGGGAACGGCACCTTTGTACAGACTGACAAACCTCTCTACAC-3'
Protein context (NP_653271.3, residues 102-122): GNNISFEEKK[Lys112Arg]VLIQRQGNGT

ClinVar aggregate classification (germline): Uncertain significance. Review status: criteria provided, multiple submitters, no conflicts (2 of 4 stars). 2 submissions from 2 submitters: Uncertain significance (2). Last evaluated 2025-04-02.

Allele frequency attached by ClinVar (database versions not stated): ExAC 0.00001; gnomAD 0.00001; TOPMed 0.00001; gnomAD exomes 0.00002 and 0.00004.
gnomAD v4.1: 15 of 1,613,974 alleles (0.00093%); highest among the groups gnomAD compares: East Asian, 0.031%; no homozygotes.

Submissions (2):

Ambry Genetics
Classification: Uncertain significance. Last evaluated: 2025-04-02. Review status: criteria provided, single submitter. Criteria: Ambry Variant Classification Scheme 2023. Collection method: clinical testing. Allele origin: germline.
Comment: The p.K112R variant (also known as c.335A>G), located in coding exon 3 of the A2ML1 gene, results from an A to G substitution at nucleotide position 335. The lysine at codon 112 is replaced by arginine, an amino acid with highly similar properties. This amino acid position is conserved. In addition, this alteration is predicted to be tolerated by in silico analysis. Based on the available evidence, the clinical significance of this variant remains unclear.

Labcorp Genetics (formerly Invitae), Labcorp
Classification: Uncertain significance. Last evaluated: 2023-09-09. Review status: criteria provided, single submitter. Criteria: Invitae Variant Classification Sherloc (09022015). Collection method: clinical testing. Allele origin: germline.
Comment: In summary, the available evidence is currently insufficient to determine the role of this variant in disease. Therefore, it has been classified as a Variant of Uncertain Significance. Algorithms developed to predict the effect of missense changes on protein structure and function output the following: SIFT: "Not Available"; PolyPhen-2: "Benign"; Align-GVGD: "Not Available". The arginine amino acid residue is found in multiple mammalian species, which suggests that this missense change does not adversely affect protein function. ClinVar contains an entry for this variant (Variation ID: 1434881). This variant has not been reported in the literature in individuals affected with A2ML1-related conditions. This variant is present in population databases (rs753721369, gnomAD 0.06%). This sequence change replaces lysine, which is basic and polar, with arginine, which is basic and polar, at codon 112 of the A2ML1 protein (p.Lys112Arg).